The following is an entry in ClinVar:

NM_001110556.2(FLNA):c.1310G>A (p.Arg437Gln)

Gene: FLNA (filamin A; minus strand). Cytogenetic location: Xq28.
Variant type: single nucleotide variant.
Coding change: c.1310G>A on transcript NM_001110556.2 (MANE Select); coding-DNA position 1310, G replaced by A.
Protein change: p.Arg437Gln; replaces arginine 437 with glutamine.
Molecular consequence: missense variant.
Genome position (GRCh38, 1-based): chrX:154,366,143, C>T on the plus strand (G>A on the coding strand, the complement: FLNA is on the minus strand). VCF-style: chrX-154366143-C-T. GRCh37 (hg19) VCF-style: chrX-153594511-C-T.
Other names: c.1310G>A, p.Arg437Gln (NM_001456.4); short protein forms R437Q.
Identifiers: ClinVar variation 502656 (VCV000502656.44), dbSNP rs782320818, ClinGen allele CA10561208.
Genomic context (GRCh38, chrX:154,366,143, plus strand): 5'-TGCACGGTGTGGACGCCCTCCATGGTGGGCTGGTAGCTGCAGCGGTATGTGCTGTCGCCC[C>T]GGGCCTCCAGCTGAGGCTCTACCGTGCCCTTCTGTCCCATGGGGTCCTGGATCACAACCT-3'
Protein context (NP_001104026.1, residues 427-447): KGTVEPQLEA[Arg437Gln]GDSTYRCSYQ

ClinVar aggregate classification (germline): Conflicting classifications of pathogenicity. Review status: criteria provided, conflicting classifications (1 of 4 stars). 8 submissions from 8 submitters: Uncertain significance (1); Benign (1); Likely benign (6). Last evaluated 2025-12-17.

Conditions:
Melnick-Needles syndrome (MNS). Also called: OSTEODYSPLASTY OF MELNICK AND NEEDLES; MELNICK-NEEDLES OSTEODYSPLASTY; Melnick-Needles Syndrome (FLNA-MNS). Identifiers: Orphanet 2484, MedGen C0025237, MONDO:0010650, OMIM 309350.
Frontometaphyseal dysplasia (FMD1). Identifiers: Orphanet 1826, MedGen C0265293, MONDO:0015942.
Heterotopia, periventricular, X-linked dominant (PVNH1). Also called: PERIVENTRICULAR NODULAR HETEROTOPIA 1; PERIVENTRICULAR NODULAR HETEROTOPIA 4; HETEROTOPIA, PERIVENTRICULAR, 1; X-linked periventricular heterotopia. Identifiers: Orphanet 2149, Orphanet 82004, MedGen C1848213, MONDO:0010233, OMIM 300049.
Oto-palato-digital syndrome, type II (OPD2). Also called: OPD II SYNDROME; FACIOPALATOOSSEOUS SYNDROME; Otopalatodigital Syndrome Type 2 (FLNA-OPD2); Otopalatodigital Syndrome, Type II. Identifiers: Orphanet 669, Orphanet 90652, MedGen C1844696, MONDO:0010571, OMIM 304120.
Familial thoracic aortic aneurysm and aortic dissection (TAAD). Also called: Thoracic aortic aneurysms and dissections. Identifiers: Orphanet 91387, MedGen C4707243, MONDO:0019625.

Allele frequency attached by ClinVar (database versions not stated): gnomAD exomes 0.00005 and 0.00018; ExAC 0.00009; gnomAD 0.00010 and 0.00011; TOPMed 0.00016.
gnomAD v4.1: 77 of 1,209,128 alleles (0.0064%); highest among the groups gnomAD compares: Admixed American, 0.05%; no homozygotes.

Submissions (8):

Labcorp Genetics (formerly Invitae), Labcorp
Classification: Benign for Oto-palato-digital syndrome, type II; Heterotopia, periventricular, X-linked dominant; Frontometaphyseal dysplasia; Melnick-Needles syndrome. Last evaluated: 2025-12-17. Review status: criteria provided, single submitter. Criteria: Invitae Variant Classification Sherloc (09022015). Collection method: clinical testing. Allele origin: germline.

Ambry Genetics
Classification: Likely benign for Familial thoracic aortic aneurysm and aortic dissection. Last evaluated: 2025-09-19. Review status: criteria provided, single submitter. Criteria: Ambry Variant Classification Scheme 2023. Collection method: clinical testing. Allele origin: germline.

Women's Health and Genetics/Laboratory Corporation of America, LabCorp
Classification: Likely benign. Last evaluated: 2024-11-10. Review status: criteria provided, single submitter. Criteria: LabCorp Variant Classification Summary - May 2015. Collection method: clinical testing. Allele origin: germline.

ARUP Laboratories, Molecular Genetics and Genomics, ARUP Laboratories
Classification: Uncertain significance. Last evaluated: 2024-10-07. Review status: criteria provided, single submitter. Criteria: ARUP Molecular Germline Variant Investigation Process 2024. Collection method: clinical testing. Allele origin: germline.
Comment: The FLNA c.1310G>A p.Arg437Gln variant (rs782320818), to our knowledge, is not reported in the medical literature but is reported in ClinVar (Variation ID: 502656). This variant is found in the general population with an overall allele frequency of 0.018% (36/201,694 alleles) in the Genome Aggregation Database (v2.1.1). Computational analyses are uncertain whether this variant is neutral or deleterious (REVEL: 0.211). Due to limited information, the clinical significance of this variant is uncertain at this time.

Blueprint Genetics
Classification: Likely benign. Last evaluated: 2024-08-05. Review status: criteria provided, single submitter. Criteria: ACMG Guidelines, 2015. Collection method: clinical testing. Allele origin: germline.

CeGaT Center for Human Genetics Tuebingen
Classification: Likely benign. Last evaluated: 2022-08-01. Review status: criteria provided, single submitter. Criteria: CeGaT Center For Human Genetics Tuebingen Variant Classification Criteria Version 2. Collection method: clinical testing. Allele origin: germline. Affected: yes. Observed: 1 variant allele.
Comment: FLNA: PP2, BP4, BS2

GeneDx
Classification: Likely benign. Last evaluated: 2017-07-25. Review status: criteria provided, single submitter. Criteria: GeneDx Variant Classification (06012015). Collection method: clinical testing. Allele origin: germline. Affected: yes.
Comment: This variant is considered likely benign or benign based on one or more of the following criteria: it is a conservative change, it occurs at a poorly conserved position in the protein, it is predicted to be benign by multiple in silico algorithms, and/or has population frequency not consistent with disease.

Eurofins Ntd Llc (ga)
Classification: Likely benign. Last evaluated: 2017-06-27. Review status: criteria provided, single submitter. Criteria: EGL Classification Definitions 2015. Collection method: clinical testing. Allele origin: germline. Observed: 1 variant allele, 1 heterozygote.

Literature cited by the submitters: PubMed 28518168 (cited by Ambry Genetics); PubMed 32461654 (cited by Ambry Genetics).